The following is an entry in ClinVar:

ClinVar aggregate classification (germline): Likely pathogenic. Review status: criteria provided, multiple submitters, no conflicts (2 of 4 stars). 2 submissions from 2 submitters: Likely pathogenic (2). Last evaluated 2026-04-15.

Conditions:
POLR3B-related disorder. Also called: POLR3B-related condition; POLR3B-related disorders. Identifiers: MedGen CN378588, MONDO:0700277.

gnomAD v4.1: 13 of 1,605,078 alleles (0.00081%); highest among the groups gnomAD compares: African/African-American, 0.0027%; no homozygotes.

Submissions (2):

Dasa
Classification: Likely pathogenic. Last evaluated: 2026-04-15. Review status: criteria provided, single submitter. Criteria: DASA Assertion Criteria. Collection method: clinical testing. Allele origin: germline.
Comment: NM_018082.6(POLR3B):c.3082C>T (p.Arg1028*) is a nonsense variant in POLR3B predicted to introduce a premature termination codon and is predicted to result in an absent or altered protein product. Loss of function is an established disease mechanism for POLR3B-associated disorders. Also, this variant is rare in population databases. Based on the currently available evidence, this variant is classified as likely pathogenic.

Blueprint Genetics
Classification: Likely pathogenic for POLR3B-related disorders. Last evaluated: 2024-07-11. Review status: criteria provided, single submitter. Criteria: ACMG Guidelines, 2015. Collection method: clinical testing. Allele origin: germline. Affected: yes. Observed: 4 variant alleles.

NM_018082.6(POLR3B):c.3082C>T (p.Arg1028Ter)

Genes: POLR3B (RNA polymerase III subunit B; plus strand), RFX4-AS1 (RFX4 antisense RNA 1; minus strand). Cytogenetic location: 12q23.3.
Variant type: single nucleotide variant.
Coding change: c.3082C>T on transcript NM_018082.6 (MANE Select); coding-DNA position 3082, C replaced by T.
Protein change: p.Arg1028Ter; replaces arginine 1028 with a stop codon.
Molecular consequence: nonsense.
Genome position (GRCh38, 1-based): chr12:106,501,420, C>T. VCF-style: chr12-106501420-C-T. GRCh37 (hg19) VCF-style: chr12-106895198-C-T.
Other names: c.2908C>T, p.Arg970Ter (NM_001160708.2); short protein forms R1028*, R970*.
Identifiers: ClinVar variation 4883340 (VCV004883340.3).